The following is an entry in ClinVar:

NM_020297.4(ABCC9):c.1735_1748del (p.His579fs)

Gene: ABCC9 (ATP binding cassette subfamily C member 9; minus strand). Cytogenetic location: 12p12.1.
Variant type: Deletion.
Coding change: c.1735_1748del on transcript NM_020297.4 (MANE Select); coding-DNA positions 1735 to 1748, 14 bases deleted (CATATCCTGGTCAC).
Protein change: p.His579fs; shifts the reading frame from histidine 579.
Molecular consequence: frameshift variant.
Genome position (GRCh38, 1-based): chr12:21,894,086-21,894,099, GTGACCAGGATATG deleted on the plus strand (CATATCCTGGTCAC on the coding strand, the reverse complement: ABCC9 is on the minus strand); deleting any 14 consecutive bases within chr12:21,894,086-21,894,100 gives the same sequence; the c. name uses the placement nearest the transcript's 3' end. VCF-style (leftmost placement, unchanged base first): chr12-21894085-TGTGACCAGGATATG-T. GRCh37 (hg19) VCF-style: chr12-22047019-TGTGACCAGGATATG-T.
Other names: c.1735_1748del, p.His579fs (NM_001377273.1, NM_005691.4); c.871_884del, p.His291fs (NM_001377274.1); short protein forms H291fs, H579fs.
Identifiers: ClinVar variation 3629281 (VCV003629281.2).

ClinVar aggregate classification (germline): Pathogenic (1 of 4 stars; one submission).

Conditions:
Dilated cardiomyopathy 1O (CMD1O). Also called: CARDIOMYOPATHY, DILATED, WITH VENTRICULAR TACHYCARDIA. Identifiers: Orphanet 154, MedGen C1837839, MONDO:0012062, OMIM 608569.

Submission:

Labcorp Genetics (formerly Invitae), Labcorp
Classification: Pathogenic for Dilated cardiomyopathy 1O. Last evaluated: 2024-07-03. Review status: criteria provided, single submitter. Criteria: Invitae Variant Classification Sherloc (09022015). Collection method: clinical testing. Allele origin: germline.
Comment: This sequence change creates a premature translational stop signal (p.His579Thrfs*24) in the ABCC9 gene. It is expected to result in an absent or disrupted protein product. Loss-of-function variants in ABCC9 are known to be pathogenic (PMID: 31575858, 38217872). This variant is not present in population databases (gnomAD no frequency). This variant has not been reported in the literature in individuals affected with ABCC9-related conditions. For these reasons, this variant has been classified as Pathogenic.

Literature cited by the submitters: PubMed 31575858; PubMed 38217872.